The following is an entry in ClinVar:

ClinVar aggregate classification (germline): Pathogenic (1 of 4 stars; one submission).

Conditions:
Osteogenesis imperfecta type I (OI1). Also called: OI, TYPE I; OSTEOGENESIS IMPERFECTA TARDA; OSTEOGENESIS IMPERFECTA WITH BLUE SCLERAE; Osteogenesis imperfecta type 1; Lobstein's Disease; Lobstein disease. Identifiers: Orphanet 216796, Orphanet 666, MedGen C0023931, MONDO:0008146, OMIM 166200. Disease mechanism: loss of function.

Submission:

Women's Health and Genetics/Laboratory Corporation of America, LabCorp
Classification: Pathogenic for Osteogenesis imperfecta type I. Last evaluated: 2026-05-06. Review status: criteria provided, single submitter. Criteria: LabCorp Variant Classification Summary - May 2015. Collection method: clinical testing. Allele origin: germline.
Comment: Variant summary: COL1A1 c.1420G>T (p.Glu474X) results in a premature termination codon, predicted to cause a truncation of the encoded protein or absence of the protein due to nonsense mediated decay, which are commonly known mechanisms for disease. The variant was absent in 185434 control chromosomes. To our knowledge, no occurrence of c.1420G>T in individuals affected with COL1A1-related conditions and no experimental evidence demonstrating its impact on protein function have been reported. No submitters have cited clinical-significance assessments for this variant to ClinVar. Based on the evidence outlined above, the variant was classified as pathogenic.

NM_000088.4(COL1A1):c.1420G>T (p.Glu474Ter)

Gene: COL1A1 (collagen type I alpha 1 chain; minus strand). Cytogenetic location: 17q21.33.
Variant type: single nucleotide variant.
Coding change: c.1420G>T on transcript NM_000088.4 (MANE Select); coding-DNA position 1420, G replaced by T.
Protein change: p.Glu474Ter; replaces glutamic acid 474 with a stop codon.
Molecular consequence: nonsense.
Genome position (GRCh38, 1-based): chr17:50,194,762, C>A on the plus strand (G>T on the coding strand, the complement: COL1A1 is on the minus strand). VCF-style: chr17-50194762-C-A. GRCh37 (hg19) VCF-style: chr17-48272123-C-A.
Other names: short protein forms E474*.
Identifiers: ClinVar variation 4853527 (VCV004853527.1).